The following is an entry in ClinVar:

ClinVar aggregate classification (germline): Uncertain significance (1 of 4 stars; one submission).

Conditions:
Hereditary cancer-predisposing syndrome. Also called: Tumor predisposition; Hereditary neoplastic syndrome; Hereditary Cancer Syndrome; Neoplastic Syndromes, Hereditary. Identifiers: Orphanet 140162, MedGen C0027672, MeSH D009386, MONDO:0015356.

Submission:

Ambry Genetics
Classification: Uncertain significance for Hereditary cancer-predisposing syndrome. Last evaluated: 2025-05-28. Review status: criteria provided, single submitter. Criteria: Ambry Variant Classification Scheme 2023. Collection method: clinical testing. Allele origin: germline.
Comment: The p.H1213D variant (also known as c.3637C>G), located in coding exon 24 of the ATM gene, results from a C to G substitution at nucleotide position 3637. The histidine at codon 1213 is replaced by aspartic acid, an amino acid with similar properties. This amino acid position is conserved. In addition, this alteration is predicted to be deleterious by in silico analysis. Based on the available evidence, the clinical significance of this variant remains unclear.

NM_000051.4(ATM):c.3637C>G (p.His1213Asp)

Gene: ATM (ATM serine/threonine kinase; plus strand). Cytogenetic location: 11q22.3.
Variant type: single nucleotide variant.
Coding change: c.3637C>G on transcript NM_000051.4 (MANE Select); coding-DNA position 3637, C replaced by G.
Protein change: p.His1213Asp; replaces histidine 1213 with aspartic acid.
Molecular consequence: missense variant.
Genome position (GRCh38, 1-based): chr11:108,282,770, C>G. VCF-style: chr11-108282770-C-G. GRCh37 (hg19) VCF-style: chr11-108153497-C-G.
Other names: c.3637C>G, p.His1213Asp (NM_001351834.2); short protein forms H1213D.
Identifiers: ClinVar variation 3967374 (VCV003967374.1).